The following is an entry in ClinVar:

NM_000466.3(PEX1):c.1670+1G>T

Gene: PEX1 (peroxisomal biogenesis factor 1; minus strand). Cytogenetic location: 7q21.2.
Variant type: single nucleotide variant.
Coding change: c.1670+1G>T on transcript NM_000466.3 (MANE Select); the canonical splice donor site of the intron after coding-DNA position 1670, G replaced by T.
Molecular consequence: splice donor variant.
Genome position (GRCh38, 1-based): chr7:92,509,328, C>A on the plus strand (G>T on the coding strand, the complement: PEX1 is on the minus strand). VCF-style: chr7-92509328-C-A. GRCh37 (hg19) VCF-style: chr7-92138642-C-A.
Other names: c.1046+1G>T (NM_001282678.2); c.1670+1G>T (NM_001282677.2).
Identifiers: ClinVar variation 371727 (VCV000371727.13), dbSNP rs1057517490, ClinGen allele CA16041162.

ClinVar aggregate classification (germline): Pathogenic/Likely pathogenic. Review status: criteria provided, multiple submitters, no conflicts (2 of 4 stars). 7 submissions from 6 submitters: Pathogenic (4); Likely pathogenic (1). 2 of the submissions do not count toward it. Last evaluated 2025-12-01.

Conditions:
Peroxisome biogenesis disorder. Identifiers: Orphanet 79189, MedGen C1832200, MONDO:0019234. Disease mechanism: loss of function.
Peroxisome biogenesis disorder 1A (Zellweger) (PBD1A). Also called: Zellweger leukodystrophy; Peroxisome biogenesis disorder 1a. Identifiers: MedGen C4721541, MONDO:0008953, OMIM 214100.
Zellweger spectrum disorders (ZS). Also called: Zellweger Spectrum Disorder; Zellweger Spectrum; Zellweger Spectrum Disorder (ZSD); Zellweger syndrome. Identifiers: Orphanet 912, MedGen C0043459, MONDO:0019609.
Peroxisome biogenesis disorder 1B (PBD1B). Also called: Refsum disease, infantile form; Infantile Refsum disease; Infantile form of phytanic acid storage disease; PEROXISOME BIOGENESIS DISORDER (NEONATAL ADRENOLEUKODYSTROPHY/INFANTILE REFSUM DISEASE); INFANTILE PHYTANIC ACID STORAGE DISEASE; PEROXISOME BIOGENESIS DISORDER (NALD/IRD). Identifiers: Orphanet 44, MedGen C0282527, MONDO:0011101, OMIM 601539.
Heimler syndrome 1 (HMLR1). Also called: PEROXISOME BIOGENESIS DISORDER 1C. Identifiers: Orphanet 3220, MedGen C4551980, OMIM 234580, MONDO:0024544.

Allele frequency attached by ClinVar (database versions not stated): TOPMed below 0.00001.

Submissions (7):

Labcorp Genetics (formerly Invitae), Labcorp
Classification: Pathogenic for Zellweger spectrum disorders. Last evaluated: 2025-12-01. Review status: criteria provided, single submitter. Criteria: Invitae Variant Classification Sherloc (09022015). Collection method: clinical testing. Allele origin: germline.
Comment: This sequence change affects a donor splice site in intron 9 of the PEX1 gene. It is expected to disrupt RNA splicing. Variants that disrupt the donor or acceptor splice site typically lead to a loss of protein function (PMID: 16199547), and loss-of-function variants in PEX1 are known to be pathogenic (PMID: 21031596, 26387595, 31831025). This variant is not present in population databases (gnomAD no frequency). Disruption of this splice site has been observed in individual(s) with PEX1-related conditions (PMID: 31742715, 37871882). In at least one individual the data is consistent with being in trans (on the opposite chromosome) from a pathogenic variant. ClinVar contains an entry for this variant (Variation ID: 371727). Studies have shown that disruption of this splice site is associated with inconclusive levels of altered splicing (PMID: 37871882). For these reasons, this variant has been classified as Pathogenic.

Myriad Genetics, Inc.
Classification: Pathogenic for Peroxisome biogenesis disorder. Last evaluated: 2025-05-08. Review status: criteria provided, single submitter. Criteria: Myriad Autosomal Dominant, Autosomal Recessive and X-Linked Classification Criteria (2023). Collection method: clinical testing. Allele origin: unknown.
Comment: NM_000466.2(PEX1):c.1670+1G>T is a variant in a canonical splice site classified as pathogenic in the context of peroxisome biogenesis disorder type 1. c.1670+1G>T has been observed in cases with relevant disease (PMID: 37871882). Relevant functional assessments of this variant are not available in the literature. c.1670+1G>T has not been observed in referenced population frequency databases. In summary, NM_000466.2(PEX1):c.1670+1G>T is a variant in a canonical splice site in a gene where loss of function is a known mechanism of disease, is predicted to disrupt protein function, and has been observed more frequently in cases with the relevant disease than in healthy populations. Please note: this variant was assessed in the context of healthy population screening.

Natera, Inc.
Classification: Pathogenic for Zellweger syndrome. Last evaluated: 2025-03-02. Review status: criteria provided, single submitter. Criteria: Natera Variant Classification Schema (03/2026). Collection method: clinical testing. Allele origin: germline.
Comment: The c.1670+1G>T variant in PEX1 is a canonical splice donor site variant predicted to affect pre-mRNA splicing, which may result in an abnormal transcript and altered protein product. This variant is expected to result in nonsense mediated decay, truncation, or a dysfunctional protein product. This variant is rare in the general population with a frequency below the threshold expected for the associated phenotype(s). This variant has been observed in one or more individuals affected with the associated recessive disease, as either homozygous or compound heterozygous with a second variant (PMID: 37871882). Given the available evidence, this variant is classified as Pathogenic.

Baylor Genetics
Classification: Pathogenic for Heimler syndrome 1. Last evaluated: 2023-04-24. Review status: criteria provided, single submitter. Criteria: ACMG Guidelines, 2015. Collection method: clinical testing. Allele origin: unknown.

Juno Genomics, Hangzhou Juno Genomics, Inc
Classification: Likely pathogenic for Heimler syndrome 1; Peroxisome biogenesis disorder 1A (Zellweger); Peroxisome biogenesis disorder 1B. Review status: criteria provided, single submitter. Criteria: ACMG Guidelines, 2015. Collection method: clinical testing. Allele origin: germline.
Comment: Null variant in a gene where loss of function (LOF) is a known mechanism of disease.;Absent from controls (or at extremely low frequency if recessive) in Genome Aggregation Database.

Counsyl
Classification: Likely pathogenic for Peroxisome biogenesis disorder 1A (Zellweger). Last evaluated: 2016-04-21. Review status: no assertion criteria provided. Collection method: clinical testing. Allele origin: unknown. Not counted in ClinVar's aggregate classification.

Counsyl
Classification: Likely pathogenic for Peroxisome biogenesis disorder 1B. Last evaluated: 2016-04-21. Review status: no assertion criteria provided. Collection method: clinical testing. Allele origin: unknown. Not counted in ClinVar's aggregate classification.

Literature cited by the submitters: PubMed 16199547 (cited by Labcorp Genetics (formerly Invitae), Labcorp); PubMed 21031596 (cited by Labcorp Genetics (formerly Invitae), Labcorp); PubMed 26387595 (cited by Labcorp Genetics (formerly Invitae), Labcorp); PubMed 31831025 (cited by Labcorp Genetics (formerly Invitae), Labcorp); PubMed 31742715 (cited by Labcorp Genetics (formerly Invitae), Labcorp); PubMed 37871882 (cited by 3 submitters).